The following is an entry in ClinVar:

ClinVar aggregate classification (germline): Uncertain significance. Review status: criteria provided, multiple submitters, no conflicts (2 of 4 stars). 4 submissions from 4 submitters: Uncertain significance (4). Last evaluated 2025-07-29.

Conditions:
Ullrich congenital muscular dystrophy 2 (UCMD2). Identifiers: Orphanet 75840, MedGen C4225314, MONDO:0014654, OMIM 616470.
Bethlem myopathy 2 (BTHLM2). Identifiers: Orphanet 536516, Orphanet 610, MedGen C4225313, MONDO:0034022, OMIM 616471.

Allele frequency attached by ClinVar (database versions not stated): TOPMed 0.00002; ESP Exome Variant Server 0.00008.
gnomAD v4.1: 7 of 1,613,608 alleles (0.00043%); highest among the groups gnomAD compares: African/African-American, 0.0013%; no homozygotes.

Submissions (4):

Women's Health and Genetics/Laboratory Corporation of America, LabCorp
Classification: Uncertain significance. Last evaluated: 2025-07-29. Review status: criteria provided, single submitter. Criteria: LabCorp Variant Classification Summary - May 2015. Collection method: clinical testing. Allele origin: germline.
Comment: Variant summary: COL12A1 c.3774C>A (p.Asp1258Glu) results in a conservative amino acid change in the encoded protein sequence. Algorithms developed to predict the effect of missense changes on protein structure and function all suggest that this variant is likely to be tolerated. The frequency data for this variant in gnomAD is considered unreliable, as metrics indicate poor data quality at this position. To our knowledge, no occurrence of c.3774C>A in individuals affected with Ullrich congenital muscular dystrophy 2 and no experimental evidence demonstrating its impact on protein function have been reported. ClinVar contains an entry for this variant (Variation ID: 642600). Based on the evidence outlined above, the variant was classified as uncertain significance.

Labcorp Genetics (formerly Invitae), Labcorp
Classification: Uncertain significance for Bethlem myopathy 2; Ullrich congenital muscular dystrophy 2. Last evaluated: 2025-01-28. Review status: criteria provided, single submitter. Criteria: Invitae Variant Classification Sherloc (09022015). Collection method: clinical testing. Allele origin: germline.
Comment: This sequence change replaces aspartic acid, which is acidic and polar, with glutamic acid, which is acidic and polar, at codon 1258 of the COL12A1 protein (p.Asp1258Glu). This variant is not present in population databases (gnomAD no frequency). This variant has not been reported in the literature in individuals affected with COL12A1-related conditions. ClinVar contains an entry for this variant (Variation ID: 642600). Invitae Evidence Modeling of protein sequence and biophysical properties (such as structural, functional, and spatial information, amino acid conservation, physicochemical variation, residue mobility, and thermodynamic stability) indicates that this missense variant is not expected to disrupt COL12A1 protein function with a negative predictive value of 80%. In summary, the available evidence is currently insufficient to determine the role of this variant in disease. Therefore, it has been classified as a Variant of Uncertain Significance.

Revvity Omics, Revvity
Classification: Uncertain significance. Last evaluated: 2021-09-20. Review status: criteria provided, single submitter. Criteria: ACMG Guidelines, 2015. Collection method: clinical testing. Allele origin: germline.

Fulgent Genetics
Classification: Uncertain significance for Ullrich congenital muscular dystrophy 2; Bethlem myopathy 2. Last evaluated: 2021-09-09. Review status: criteria provided, single submitter. Criteria: ACMG Guidelines, 2015. Collection method: clinical testing. Allele origin: unknown.

NM_004370.6(COL12A1):c.3774C>A (p.Asp1258Glu)

Gene: COL12A1 (collagen type XII alpha 1 chain; minus strand). Cytogenetic location: 6q13.
Variant type: single nucleotide variant.
Coding change: c.3774C>A on transcript NM_004370.6 (MANE Select); coding-DNA position 3774, C replaced by A.
Protein change: p.Asp1258Glu; replaces aspartic acid 1258 with glutamic acid.
Molecular consequence: missense variant.
Genome position (GRCh38, 1-based): chr6:75,152,192, G>T on the plus strand (C>A on the coding strand, the complement: COL12A1 is on the minus strand). VCF-style: chr6-75152192-G-T. GRCh37 (hg19) VCF-style: chr6-75861908-G-T.
Other names: c.282C>A, p.Asp94Glu (NM_080645.3); short protein forms D94E, D1258E.
Identifiers: ClinVar variation 642600 (VCV000642600.15), dbSNP rs375043994, ClinGen allele CA141004931.